The following is an entry in ClinVar:

NC_000003.11:g.(?_178916608)_(178952158_?)dup

Gene: PIK3CA (phosphatidylinositol-4,5-bisphosphate 3-kinase catalytic subunit alpha; plus strand). Cytogenetic location: 3q26.32.
Variant type: Duplication.
Identifiers: ClinVar variation 1003961 (VCV001003961.1).

ClinVar aggregate classification (germline): Uncertain significance (1 of 4 stars; one submission).

Conditions:
Cowden syndrome (CS). Also called: Cowden's disease; Cowden's syndrome; Cowden disease. Identifiers: Orphanet 201, MedGen C0018553, MONDO:0016063. Disease mechanism: gain of function.

Submission:

Labcorp Genetics (formerly Invitae), Labcorp
Classification: Uncertain significance for Cowden syndrome. Last evaluated: 2020-03-11. Review status: criteria provided, single submitter. Criteria: Invitae Variant Classification Sherloc (09022015). Collection method: clinical testing. Allele origin: germline.
Comment: A gross duplication of the genomic region encompassing the full coding sequence of the PIK3CA gene has been identified. The boundaries of this event are unknown as the duplication extends beyond the assayed region for this gene and therefore may encompass additional genes. As the precise location of this duplication is unknown, it may be in tandem or it may be located elsewhere in the genome. Duplications of the entire sequence of the PIK3CA gene have not been reported in the literature. In summary, this is a novel duplication of the entire genomic sequence of the PIK3A gene. The clinical significance of this duplication is uncertain at this time. Therefore, it has been classified as a Variant of Uncertain Significance.